The following is an entry in ClinVar:

ClinVar aggregate classification (germline): Uncertain significance (1 of 4 stars; one submission).

Conditions:
Inborn genetic diseases. Identifiers: MedGen C0950123, MeSH D030342.

Submission:

Ambry Genetics
Classification: Uncertain significance for Inborn genetic diseases. Last evaluated: 2025-06-29. Review status: criteria provided, single submitter. Criteria: Ambry Variant Classification Scheme 2023. Collection method: clinical testing. Allele origin: germline.
Comment: The p.S361A variant (also known as c.1081T>G), located in coding exon 7 of the MECOM gene, results from a T to G substitution at nucleotide position 1081. The serine at codon 361 is replaced by alanine, an amino acid with similar properties. This amino acid position is conserved. In addition, the in silico prediction for this alteration is inconclusive. Based on the available evidence, the clinical significance of this variant remains unclear.

NM_004991.4(MECOM):c.1081T>G (p.Ser361Ala)

Gene: MECOM (MDS1 and EVI1 complex locus; minus strand). Cytogenetic location: 3q26.2.
Variant type: single nucleotide variant.
Coding change: c.1081T>G on transcript NM_004991.4 (MANE Select); coding-DNA position 1081, T replaced by G.
Protein change: p.Ser361Ala; replaces serine 361 with alanine.
Molecular consequence: missense variant.
Genome position (GRCh38, 1-based): chr3:169,121,107, A>C on the plus strand (T>G on the coding strand, the complement: MECOM is on the minus strand). VCF-style: chr3-169121107-A-C. GRCh37 (hg19) VCF-style: chr3-168838895-A-C.
Other names: c.520T>G, p.Ser174Ala (NM_001366468.2, NM_001366470.2, NM_001163999.2 and 1 more transcripts); c.517T>G, p.Ser173Ala (NM_001366469.2, NM_001366471.2, NM_001366472.2 and 5 more transcripts); c.1081T>G, p.Ser361Ala (NM_001366473.2, NM_001366466.2); c.712T>G, p.Ser238Ala (NM_001105077.4); short protein forms S174A, S361A, S173A, S238A.
Identifiers: ClinVar variation 4105743 (VCV004105743.1).